The following is an entry in ClinVar:

ClinVar aggregate classification (germline): Uncertain significance (1 of 4 stars; one submission).

Conditions:
Cardiovascular phenotype. Identifiers: MedGen CN230736.

Allele frequency attached by ClinVar (database versions not stated): TOPMed below 0.00001; gnomAD 0.00001; gnomAD exomes 0.00002; ExAC 0.00007.
gnomAD v4.1: 13 of 1,613,990 alleles (0.00081%); highest among the groups gnomAD compares: Non-Finnish European, 0.0011%; no homozygotes.

Submission:

Ambry Genetics
Classification: Uncertain significance for Cardiovascular phenotype. Last evaluated: 2021-11-14. Review status: criteria provided, single submitter. Criteria: Ambry Variant Classification Scheme 2023. Collection method: clinical testing. Allele origin: germline.
Comment: The p.S396G variant (also known as c.1186A>G), located in coding exon 7 of the SPRED1 gene, results from an A to G substitution at nucleotide position 1186. The serine at codon 396 is replaced by glycine, an amino acid with similar properties. This amino acid position is conserved. In addition, this alteration is predicted to be tolerated by in silico analysis. Since supporting evidence is limited at this time, the clinical significance of this alteration remains unclear.

NM_152594.3(SPRED1):c.1186A>G (p.Ser396Gly)

Gene: SPRED1 (sprouty related EVH1 domain containing 1; plus strand). Cytogenetic location: 15q14.
Variant type: single nucleotide variant.
Coding change: c.1186A>G on transcript NM_152594.3 (MANE Select); coding-DNA position 1186, A replaced by G.
Protein change: p.Ser396Gly; replaces serine 396 with glycine.
Molecular consequence: missense variant.
Genome position (GRCh38, 1-based): chr15:38,351,515, A>G. VCF-style: chr15-38351515-A-G. GRCh37 (hg19) VCF-style: chr15-38643716-A-G.
Other names: short protein forms S396G.
Identifiers: ClinVar variation 1743455 (VCV001743455.2), dbSNP rs769959530, ClinGen allele CA7470238.
Genomic context (GRCh38, chr15:38,351,515, plus strand): 5'-TTGTATCATTGTATGTCAGACTCAGAGGGAGATTTTTCTGATCCCTGTTCGTGTGACACT[A>G]GCGACGACAAGTTCTGCTTGCGATGGTTAGCCCTGGTAGCTTTGTCTTTCATTGTACCAT-3'
Protein context (NP_689807.1, residues 386-406): DFSDPCSCDT[Ser396Gly]DDKFCLRWLA